The following is an entry in ClinVar:

ClinVar aggregate classification (germline): Uncertain significance (1 of 4 stars; one submission).

Conditions:
Peroxisome biogenesis disorder 3A (Zellweger). Also called: PEROXISOMAL BIOGENESIS DISORDER 3A (ZELLWEGER); Peroxisome biogenesis disorder 3A. Identifiers: Orphanet 912, MedGen C3553929, MONDO:0013927, OMIM 614859.

Allele frequency attached by ClinVar (database versions not stated): ExAC 0.00001; gnomAD 0.00001; TOPMed 0.00002.

Submission:

Labcorp Genetics (formerly Invitae), Labcorp
Classification: Uncertain significance for Peroxisome biogenesis disorder 3A (Zellweger). Last evaluated: 2021-08-27. Review status: criteria provided, single submitter. Criteria: Invitae Variant Classification Sherloc (09022015). Collection method: clinical testing. Allele origin: germline.
Comment: This sequence change replaces leucine with phenylalanine at codon 261 of the PEX12 protein (p.Leu261Phe). The leucine residue is highly conserved and there is a small physicochemical difference between leucine and phenylalanine. This variant is present in population databases (rs757306012, ExAC 0.01%). This variant has not been reported in the literature in individuals affected with PEX12-related conditions. Algorithms developed to predict the effect of missense changes on protein structure and function are either unavailable or do not agree on the potential impact of this missense change (SIFT: "Tolerated"; PolyPhen-2: "Probably Damaging"; Align-GVGD: "Class C0"). In summary, the available evidence is currently insufficient to determine the role of this variant in disease. Therefore, it has been classified as a Variant of Uncertain Significance.

NM_000286.3(PEX12):c.781C>T (p.Leu261Phe)

Gene: PEX12 (peroxisomal biogenesis factor 12; minus strand). Cytogenetic location: 17q12.
Variant type: single nucleotide variant.
Coding change: c.781C>T on transcript NM_000286.3 (MANE Select); coding-DNA position 781, C replaced by T.
Protein change: p.Leu261Phe; replaces leucine 261 with phenylalanine.
Molecular consequence: missense variant.
Genome position (GRCh38, 1-based): chr17:35,576,081, G>A on the plus strand (C>T on the coding strand, the complement: PEX12 is on the minus strand). VCF-style: chr17-35576081-G-A. GRCh37 (hg19) VCF-style: chr17-33903100-G-A.
Other names: short protein forms L261F.
Identifiers: ClinVar variation 2141861 (VCV002141861.1), dbSNP rs757306012, ClinGen allele CA8504842.